The following is an entry in ClinVar:

NM_001080517.3(SETD5):c.2279C>T (p.Ser760Leu)

Gene: SETD5 (SET domain containing 5; plus strand). Cytogenetic location: 3p25.3.
Variant type: single nucleotide variant.
Coding change: c.2279C>T on transcript NM_001080517.3 (MANE Select); coding-DNA position 2279, C replaced by T.
Protein change: p.Ser760Leu; replaces serine 760 with leucine.
Molecular consequence: missense variant.
Genome position (GRCh38, 1-based): chr3:9,448,563, C>T. VCF-style: chr3-9448563-C-T. GRCh37 (hg19) VCF-style: chr3-9490247-C-T.
Other names: c.1985C>T, p.Ser662Leu (NM_001292043.2, NM_001349451.2); short protein forms S662L, S760L.
Identifiers: ClinVar variation 3160677 (VCV003160677.1), dbSNP rs1553626575, ClinGen allele CA351701721.

ClinVar aggregate classification (germline): Uncertain significance (1 of 4 stars; one submission).

Conditions:
Inborn genetic diseases. Identifiers: MedGen C0950123, MeSH D030342.

Submission:

Ambry Genetics
Classification: Uncertain significance for Inborn genetic diseases. Last evaluated: 2024-02-26. Review status: criteria provided, single submitter. Criteria: Ambry Variant Classification Scheme 2023. Collection method: clinical testing. Allele origin: germline.
Comment: The c.2279C>T (p.S760L) alteration is located in exon 16 (coding exon 14) of the SETD5 gene. This alteration results from a C to T substitution at nucleotide position 2279, causing the serine (S) at amino acid position 760 to be replaced by a leucine (L). This variant was not reported in population-based cohorts in the Genome Aggregation Database (gnomAD). This amino acid position is highly conserved in available vertebrate species. This alteration is predicted to be deleterious by in silico analysis. Based on insufficient or conflicting evidence, the clinical significance of this alteration remains unclear.